The following is an entry in ClinVar:

NM_001735.3(C5):c.4309G>T (p.Glu1437Ter)

Gene: C5 (complement C5; minus strand). Cytogenetic location: 9q33.2.
Variant type: single nucleotide variant.
Coding change: c.4309G>T on transcript NM_001735.3 (MANE Select); coding-DNA position 4309, G replaced by T.
Protein change: p.Glu1437Ter; replaces glutamic acid 1437 with a stop codon.
Molecular consequence: nonsense.
Genome position (GRCh38, 1-based): chr9:120,963,650, C>A on the plus strand (G>T on the coding strand, the complement: C5 is on the minus strand). VCF-style: chr9-120963650-C-A. GRCh37 (hg19) VCF-style: chr9-123725928-C-A.
Other names: c.4327G>T, p.Glu1443Ter (NM_001317163.2); short protein forms E1437*, E1443*.
Identifiers: ClinVar variation 4805502 (VCV004805502.2).
Genomic context (GRCh38, chr9:120,963,650, plus strand): 5'-AAAGAAAATGAAGCATTCACAACACGATTTAAAAGAAAACACATACGGCTTTTAAGTCTT[C>A]TTCATTTGCACTGATTCCAGTAGGCAAGGAGATGTCCATCACCGCATGAGAGGATCCAGA-3'

ClinVar aggregate classification (germline): Pathogenic/Likely pathogenic. Review status: criteria provided, multiple submitters, no conflicts (2 of 4 stars). 2 submissions from 2 submitters: Pathogenic (1); Likely pathogenic (1). Last evaluated 2025-11-16.

Conditions:
C5-related disorders.

Submissions (2):

Labcorp Genetics (formerly Invitae), Labcorp
Classification: Pathogenic. Last evaluated: 2025-11-16. Review status: criteria provided, single submitter. Criteria: Invitae Variant Classification Sherloc (09022015). Collection method: clinical testing. Allele origin: germline.
Comment: This sequence change creates a premature translational stop signal (p.Glu1437*) in the C5 gene. It is expected to result in an absent or disrupted protein product. Loss-of-function variants in C5 are known to be pathogenic (PMID: 7730648, 19414197, 27026170). This variant is not present in population databases (gnomAD no frequency). This variant has not been reported in the literature in individuals affected with C5-related conditions. For these reasons, this variant has been classified as Pathogenic.

Blueprint Genetics
Classification: Likely pathogenic for C5-related disorders. Last evaluated: 2022-07-17. Review status: criteria provided, single submitter. Criteria: ACMG Guidelines, 2015. Collection method: clinical testing. Allele origin: germline. Affected: yes. Observed: 1 variant allele.

Literature cited by the submitters: PubMed 7730648 (cited by Labcorp Genetics (formerly Invitae), Labcorp); PubMed 19414197 (cited by Labcorp Genetics (formerly Invitae), Labcorp); PubMed 27026170 (cited by Labcorp Genetics (formerly Invitae), Labcorp).